The following is an entry in ClinVar:

NM_001142800.2(EYS):c.4059del (p.Phe1353fs)

Gene: EYS (EGF-like photoreceptor maintenance factor; minus strand). Cytogenetic location: 6q12.
Variant type: Deletion.
Coding change: c.4059del on transcript NM_001142800.2 (MANE Select); coding-DNA position 4059, one base deleted (T; older notation c.4059delT).
Protein change: p.Phe1353fs; shifts the reading frame from phenylalanine 1353.
Molecular consequence: frameshift variant.
Genome position (GRCh38, 1-based): chr6:64,591,808, A deleted on the plus strand (T on the coding strand, the reverse complement: EYS is on the minus strand); the first of 4 consecutive A bases (chr6:64,591,808-64,591,811); deleting any one gives the same sequence. VCF-style (leftmost placement, unchanged base first): chr6-64591807-CA-C. GRCh37 (hg19) VCF-style: chr6-65301700-CA-C.
Other names: c.4059del, p.Phe1353fs (NM_001292009.2); short protein forms F1353fs.
Identifiers: ClinVar variation 3645533 (VCV003645533.2).

ClinVar aggregate classification (germline): Pathogenic (1 of 4 stars; one submission).

Submission:

Labcorp Genetics (formerly Invitae), Labcorp
Classification: Pathogenic. Last evaluated: 2024-03-12. Review status: criteria provided, single submitter. Criteria: Invitae Variant Classification Sherloc (09022015). Collection method: clinical testing. Allele origin: germline.
Comment: This sequence change creates a premature translational stop signal (p.Phe1353Leufs*28) in the EYS gene. It is expected to result in an absent or disrupted protein product. Loss-of-function variants in EYS are known to be pathogenic (PMID: 18836446, 20333770). This variant is not present in population databases (gnomAD no frequency). This variant has not been reported in the literature in individuals affected with EYS-related conditions. For these reasons, this variant has been classified as Pathogenic.

Literature cited by the submitters: PubMed 18836446; PubMed 20333770.